The following is an entry in ClinVar:

NM_000257.4(MYH7):c.3853+14A>T

Gene: MYH7 (myosin heavy chain 7; minus strand). Cytogenetic location: 14q11.2.
Variant type: single nucleotide variant.
Coding change: c.3853+14A>T on transcript NM_000257.4 (MANE Select); 14 bases into the intron after coding-DNA position 3853, A replaced by T.
Molecular consequence: intron variant.
Genome position (GRCh38, 1-based): chr14:23,419,469, T>A on the plus strand (A>T on the coding strand, the complement: MYH7 is on the minus strand). VCF-style: chr14-23419469-T-A. GRCh37 (hg19) VCF-style: chr14-23888678-T-A.
Other names: c.3853+14A>T (LRG_384t1).
Identifiers: ClinVar variation 510653 (VCV000510653.9), dbSNP rs375422678, ClinGen allele CA039109.

ClinVar aggregate classification (germline): Benign/Likely benign. Review status: criteria provided, multiple submitters, no conflicts (2 of 4 stars). 3 submissions from 3 submitters: Benign (1); Likely benign (2). Last evaluated 2025-10-08.

Conditions:
Hypertrophic cardiomyopathy. Also called: HYPERTROPHIC MYOCARDIOPATHY. Identifiers: Orphanet 217569, MedGen C0007194, MeSH D002312, MONDO:0005045, HP:0001639.

Allele frequency attached by ClinVar (database versions not stated): ExAC 0.00001; gnomAD exomes 0.00002 and 0.00003; gnomAD 0.00003; TOPMed 0.00003; ESP Exome Variant Server 0.00008.
gnomAD v4.1: 47 of 1,613,522 alleles (0.0029%); highest among the groups gnomAD compares: Middle Eastern, 0.017%; no homozygotes.

Submissions (3):

Labcorp Genetics (formerly Invitae), Labcorp
Classification: Likely benign for Hypertrophic cardiomyopathy. Last evaluated: 2025-10-08. Review status: criteria provided, single submitter. Criteria: Invitae Variant Classification Sherloc (09022015). Collection method: clinical testing. Allele origin: germline.

Blueprint Genetics
Classification: Benign. Last evaluated: 2023-08-18. Review status: criteria provided, single submitter. Criteria: ACMG Guidelines, 2015. Collection method: clinical testing. Allele origin: germline.

GeneDx
Classification: Likely benign. Last evaluated: 2018-03-15. Review status: criteria provided, single submitter. Criteria: GeneDx Variant Classification (06012015). Collection method: clinical testing. Allele origin: germline. Affected: yes.
Comment: This variant is considered likely benign or benign based on one or more of the following criteria: it is a conservative change, it occurs at a poorly conserved position in the protein, it is predicted to be benign by multiple in silico algorithms, and/or has population frequency not consistent with disease.